The following is an entry in ClinVar:

NM_022455.5(NSD1):c.1422C>G (p.Gly474=)

Gene: NSD1 (nuclear receptor binding SET domain protein 1; plus strand). Cytogenetic location: 5q35.3.
Variant type: single nucleotide variant.
Coding change: c.1422C>G on transcript NM_022455.5 (MANE Select); coding-DNA position 1422, C replaced by G.
Protein change: p.Gly474=; no amino-acid change (glycine 474 retained).
Molecular consequence: synonymous variant.
Genome position (GRCh38, 1-based): chr5:177,209,821, C>G. VCF-style: chr5-177209821-C-G. GRCh37 (hg19) VCF-style: chr5-176636822-C-G.
Other names: c.549C>G, p.Gly183= (NM_001365684.2, NM_001409306.1, NM_001409307.1 and 3 more transcripts); c.1422C>G, p.Gly474= (NM_001409301.1, NM_001409302.1, NM_001409303.1); c.1002C>G, p.Gly334= (NM_001409304.1); c.669C>G, p.Gly223= (NM_001409305.1).
Identifiers: ClinVar variation 4872959 (VCV004872959.3).

ClinVar aggregate classification (germline): Likely benign. Review status: criteria provided, multiple submitters, no conflicts (2 of 4 stars). 2 submissions from 2 submitters: Likely benign (2). Last evaluated 2026-04-01.

gnomAD v4.1: 10 of 1,613,980 alleles (0.00062%); highest among the groups gnomAD compares: Admixed American, 0.0083%; no homozygotes.

Submissions (2):

CeGaT Center for Human Genetics Tuebingen
Classification: Likely benign. Last evaluated: 2026-04-01. Review status: criteria provided, single submitter. Criteria: CeGaT Center For Human Genetics Tuebingen Variant Classification Criteria Version 2. Collection method: clinical testing. Allele origin: germline. Affected: yes. Observed: 1 variant allele.
Comment: NSD1: BP4, BP7

Blueprint Genetics
Classification: Likely benign. Last evaluated: 2021-10-01. Review status: criteria provided, single submitter. Criteria: ACMG Guidelines, 2015. Collection method: clinical testing. Allele origin: germline.